The following is an entry in ClinVar:

NM_000388.4(CASR):c.452C>T (p.Thr151Met)

Gene: CASR (calcium sensing receptor; plus strand). Cytogenetic location: 3q21.1.
Variant type: single nucleotide variant.
Coding change: c.452C>T on transcript NM_000388.4 (MANE Select); coding-DNA position 452, C replaced by T.
Protein change: p.Thr151Met; replaces threonine 151 with methionine.
Molecular consequence: missense variant.
Genome position (GRCh38, 1-based): chr3:122,257,347, C>T. VCF-style: chr3-122257347-C-T. GRCh37 (hg19) VCF-style: chr3-121976194-C-T.
Other names: c.452C>T, p.Thr151Met (NM_001178065.2); short protein forms T151M.
Identifiers: ClinVar variation 8323 (VCV000008323.18), dbSNP rs104893694, ClinGen allele CA119485.

ClinVar aggregate classification (germline): Pathogenic. Review status: criteria provided, multiple submitters, no conflicts (2 of 4 stars). 9 submissions from 9 submitters: Pathogenic (8). 1 of the submissions does not count toward it. Last evaluated 2026-06-24.

Conditions:
Familial hypocalciuric hypercalcemia (FHH). Also called: Familial benign hypercalcemia. Identifiers: Orphanet 405, MedGen C1809471, MONDO:0018458.
Autosomal dominant hypocalcemia 1 (HYPOC1). Also called: HYPOCALCEMIA, FAMILIAL. Identifiers: MedGen C3715128, MONDO:0011013, OMIM 601198.
CASR-related disorder. Also called: CASR-related condition.
Autosomal dominant hypocalcemia. Identifiers: Orphanet 428, MedGen C4048195, MONDO:0018543.
Familial hypoparathyroidism. Also called: Familial isolated hypoparathyroidism. Identifiers: Orphanet 2238, MedGen C1832648, MONDO:0016390.

Allele frequency attached by ClinVar (database versions not stated): gnomAD exomes below 0.00001; TOPMed below 0.00001.
gnomAD v4.1: 1 of 1,614,138 alleles (0.000062%); highest among the groups gnomAD compares: Non-Finnish European, 0.000085%; no homozygotes.

Submissions (9):

Institute of Medical Genetics and Applied Genomics, University Hospital Tübingen
Classification: Pathogenic for Autosomal dominant hypocalcemia 1. Last evaluated: 2026-06-24. Review status: criteria provided, single submitter. Criteria: ACMG Guidelines, 2015. Collection method: clinical testing. Allele origin: germline. Inheritance: Autosomal dominant inheritance. Affected: yes.

Women's Health and Genetics/Laboratory Corporation of America, LabCorp
Classification: Pathogenic for Autosomal dominant hypocalcemia. Last evaluated: 2026-03-09. Review status: criteria provided, single submitter. Criteria: LabCorp Variant Classification Summary - May 2015. Collection method: clinical testing. Allele origin: germline.
Comment: Variant summary: CASR c.452C>T (p.Thr151Met) results in a non-conservative amino acid change in the encoded protein sequence. Algorithms developed to predict the effect of missense changes on protein structure and function all suggest that this variant is likely to be disruptive. The variant was absent in 251178 control chromosomes. c.452C>T has been observed in multiple individuals affected with Autosomal Dominant Hypocalcemia and has been found to segregate with the disorder in related individuals (e.g. Sorheim_2010). These data indicate that the variant is very likely to be associated with disease. At least one publication reports experimental evidence evaluating an impact on protein function and found the variant resulted in an increased affinity for calcium and higher maximal response to calcium compared to the wild type protein, indicating a gain of function effect. The following publications have been ascertained in the context of this evaluation (PMID: 8878438, 20501971). ClinVar contains an entry for this variant (Variation ID: 8323). Based on the evidence outlined above, the variant was classified as pathogenic for Autosomal Dominant Hypocalcemia.

Cambridge Genomics Laboratory, East Genomic Laboratory Hub, NHS Genomic Medicine Service
Classification: Pathogenic for Familial hypoparathyroidism. Last evaluated: 2025-06-10. Review status: criteria provided, single submitter. Criteria: ACGS Best Practice Guidelines for Variant Classification in Rare Disease 2020. Collection method: clinical testing. Allele origin: germline. Affected: yes.

Labcorp Genetics (formerly Invitae), Labcorp
Classification: Pathogenic for Familial hypocalciuric hypercalcemia; Autosomal dominant hypocalcemia 1. Last evaluated: 2025-05-24. Review status: criteria provided, single submitter. Criteria: Invitae Variant Classification Sherloc (09022015). Collection method: clinical testing. Allele origin: germline.
Comment: This sequence change replaces threonine, which is neutral and polar, with methionine, which is neutral and non-polar, at codon 151 of the CASR protein (p.Thr151Met). This variant is not present in population databases (gnomAD no frequency). This missense change has been observed in individual(s) with hyperparathyroidism and hypocalcemia (PMID: 20501971, 22422767, 23186954). It has also been observed to segregate with disease in related individuals. ClinVar contains an entry for this variant (Variation ID: 8323). An algorithm developed to predict the effect of missense changes on protein structure and function (PolyPhen-2) suggests that this variant is likely to be disruptive. Experimental studies have shown that this missense change affects CASR function (PMID: 8813042, 8878438). For these reasons, this variant has been classified as Pathogenic.

Athena Diagnostics
Classification: Pathogenic. Last evaluated: 2024-02-29. Review status: criteria provided, single submitter. Criteria: Athena Diagnostics Criteria. Collection method: clinical testing. Allele origin: unknown.
Comment: This variant has been identified in multiple unrelated individuals with clinical features associated with hypocalcemia and segregates with disease in multiple families. This variant has not been reported in large, multi-ethnic general populations. Assessment of experimental evidence suggests this variant results in abnormal protein function. (PMID: 8878438, 8813042, 35459864)

Blueprint Genetics
Classification: Pathogenic for CASR-related disorders. Last evaluated: 2022-06-07. Review status: criteria provided, single submitter. Criteria: ACMG Guidelines, 2015. Collection method: clinical testing. Allele origin: germline. Affected: yes. Observed: 1 variant allele.

Victorian Clinical Genetics Services, Murdoch Childrens Research Institute
Classification: Pathogenic for Autosomal dominant hypocalcemia 1. Last evaluated: 2021-05-06. Review status: criteria provided, single submitter. Criteria: ACMG Guidelines, 2015. Collection method: clinical testing. Allele origin: germline. Inheritance: Autosomal dominant inheritance. Affected: yes.
Comment: Based on the classification scheme VCGS_Germline_v1.3.4, this variant is classified as Pathogenic. Following criteria are met: 0103 - Dominant negative, loss of function and gain of function are known mechanisms of disease in this gene and are associated with CASR-related disease (OMIM). Truncating variants predicted to undergo nonsense-mediated decay, and missense variants with either a dominant negative or loss of function effect on protein function, have been reported to cause hypocalciuric hypercalcemia, type I (MIM#145980), and neonatal hyperparathyroidism (MIM#239200). Missense variants that have a gain of function effect on protein activity, have been reported to cause hypocalcemia, with or without Barrter syndrome (MIM#601198) (PMID: 22422767, PMID: 26646938, OMIM, Ward et al. (2006)). (I) 0108 - This gene is associated with both recessive and dominant disease. Recessive disease is caused by biallelic loss of function variants (PMID: 22422767, PMID: 26646938). (I) 0115 - Variants in this gene are known to have variable expressivity. Members of the same family have been reported to exhibit either hypercalcemia, hypocalciuric or hypercalciuric (OMIM). (I) 0200 - Variant is predicted to result in a missense amino acid change from threonine to methionine. (I) 0251 - This variant is heterozygous. (I) 0301 - Variant is absent from gnomAD (both v2 and v3). (SP) 0502 - Missense variant with conflicting in silico predictions and uninformative conservation. (I) 0600 - Variant is located in the annotated cleft between lobes 1 and 2 within the calcium binding site 1 (PMID: 22422767). (I) 0704 - Another missense variant comparable to the one identified in this case has limited previous evidence for pathogenicity. This alternative change (p.Thr151Arg) has been described as pathogenic, and reported in several patients with hypocalcemia or hypoparathyroidism (LOVD, PMID: 20668040, PMID: 21645025). (SP) 0802 - This variant has moderate previous evidence of pathogenicity in unrelated individuals. This variant has been reported in several unrelated families with hypoparathyroidism or hypocalcemic hypercalciuria (ClinVar, PMID: 8813042, PMID: 8698326, PMID: 22422767). (SP) 0901 - This variant has strong evidence for segregation with disease. This variant segregated with disease in one large family with hypocalcaemia (PMID: 20501971). (SP) 1002 - This variant has moderate functional evidence supporting abnormal protein function. HEK293 cells transfected with this variant displayed maximal responses at lower calcium concentrations (PMID: 8813042). (I) Legend: (SP) - Supporting pathogenic, (I) - Information, (SB) - Supporting benign

Genetic Services Laboratory, University of Chicago
Classification: Pathogenic. Last evaluated: 2020-09-16. Review status: criteria provided, single submitter. Criteria: ACMG Guidelines, 2015. Collection method: clinical testing. Allele origin: germline. Affected: yes.
Comment: DNA sequence analysis of the CASR gene demonstrated a sequence change, c.452C>T, in exon 3 that results in an amino acid change, p.Thr151Met. This sequence change is absent in the gnomAD population database. This sequence change has been reported to segregated with disease in a family with hypoparathyroidism (PMID: 8698326). The p.Thr151Met change affects a highly conserved amino acid residue located in the extracellular domain of the calcium sensing receptor (CASR) protein. Functional study shows p.Thr151Met is a gain-of-function variant, and it results in the activation of CASR at a lower than normal extracellular calcium (PMID: 8878438). Collectively these evidences indicate that, this p.Thr151Me variant is pathogenic.

OMIM
Classification: Pathogenic for HYPOCALCEMIA, AUTOSOMAL DOMINANT 1. Last evaluated: 1996-10-10. Review status: no assertion criteria provided. Collection method: literature only. Allele origin: germline. Not counted in ClinVar's aggregate classification.

Literature cited by the submitters: PubMed 8878438 (cited by 3 submitters); PubMed 20501971 (cited by 4 submitters); PubMed 22422767 (cited by 3 submitters); PubMed 23186954 (cited by Labcorp Genetics (formerly Invitae), Labcorp and Athena Diagnostics); PubMed 8813042 (cited by 4 submitters); PubMed 8698326 (cited by 3 submitters); PubMed 25071082 (cited by Athena Diagnostics); PubMed 35459864 (cited by Athena Diagnostics); PubMed 10935495 (cited by Athena Diagnostics); PubMed 20668040 (cited by Victorian Clinical Genetics Services, Murdoch Childrens Research Institute); PubMed 21645025 (cited by Victorian Clinical Genetics Services, Murdoch Childrens Research Institute); PubMed 26646938 (cited by Victorian Clinical Genetics Services, Murdoch Childrens Research Institute).